The following is an entry in ClinVar:

NM_004646.4(NPHS1):c.2289C>T (p.Val763=)

Gene: NPHS1 (NPHS1 adhesion molecule, nephrin; minus strand). Cytogenetic location: 19q13.12.
Variant type: single nucleotide variant.
Coding change: c.2289C>T on transcript NM_004646.4 (MANE Select); coding-DNA position 2289, C replaced by T.
Protein change: p.Val763=; no amino-acid change (valine 763 retained).
Molecular consequence: synonymous variant.
Genome position (GRCh38, 1-based): chr19:35,843,517, G>A on the plus strand (C>T on the coding strand, the complement: NPHS1 is on the minus strand). VCF-style: chr19-35843517-G-A. GRCh37 (hg19) VCF-style: chr19-36334419-G-A.
Other names: p.Val763=.
Identifiers: ClinVar variation 259489 (VCV000259489.25), dbSNP rs437168, ClinGen allele CA9390175.

ClinVar aggregate classification (germline): Benign. Review status: criteria provided, multiple submitters, no conflicts (2 of 4 stars). 14 submissions from 14 submitters: Benign (11). 3 of the submissions do not count toward it. Last evaluated 2026-02-04.

Conditions:
Congenital nephrotic syndrome. Also called: Familial nephrotic syndrome. Identifiers: MedGen C3501848, MeSH C535761, MONDO:0002350, HP:0008677.
Finnish congenital nephrotic syndrome (NPHS1). Also called: NEPHROTIC SYNDROME, TYPE 1. Identifiers: Orphanet 839, MedGen C0403399, MONDO:0009732, OMIM 256300.

Allele frequency attached by ClinVar (database versions not stated): gnomAD 0.15697; ESP Exome Variant Server 0.17615; TOPMed 0.17826; 1000 Genomes Project 0.19369; 1000 Genomes Project 30x 0.20206.
gnomAD v4.1: 102,431 of 1,613,890 alleles (6.3%); highest among the groups gnomAD compares: African/African-American, 46%; 10,206 homozygotes.

Submissions (14):

Labcorp Genetics (formerly Invitae), Labcorp
Classification: Benign. Last evaluated: 2026-02-04. Review status: criteria provided, single submitter. Criteria: Invitae Variant Classification Sherloc (09022015). Collection method: clinical testing. Allele origin: germline.

Blueprint Genetics
Classification: Benign. Last evaluated: 2024-11-28. Review status: criteria provided, single submitter. Criteria: ACMG Guidelines, 2015. Collection method: clinical testing. Allele origin: germline.

Mayo Clinic Laboratories, Mayo Clinic
Classification: Benign. Last evaluated: 2022-03-09. Review status: criteria provided, single submitter. Criteria: ACMG Guidelines, 2015. Collection method: clinical testing. Allele origin: germline. Observed: 39 variant alleles.

Genome-Nilou Lab
Classification: Benign for Finnish congenital nephrotic syndrome. Last evaluated: 2021-06-10. Review status: criteria provided, single submitter. Criteria: ACMG Guidelines, 2015. Collection method: clinical testing. Allele origin: germline. Affected: no.

GeneDx
Classification: Benign. Last evaluated: 2018-11-12. Review status: criteria provided, single submitter. Criteria: GeneDx Variant Classification Process June 2021. Collection method: clinical testing. Allele origin: germline. Affected: yes.

Illumina Laboratory Services, Illumina
Classification: Benign for Congenital nephrotic syndrome. Last evaluated: 2018-01-13. Review status: criteria provided, single submitter. Criteria: ICSL Variant Classification Criteria 13 December 2019. Collection method: clinical testing. Allele origin: germline.
Comment: This variant was observed in the ICSL laboratory as part of a predisposition screen in an ostensibly healthy population. It had not been previously curated by ICSL or reported in the Human Gene Mutation Database (HGMD: prior to June 1st, 2018), and was therefore a candidate for classification through an automated scoring system. Utilizing variant allele frequency, disease prevalence and penetrance estimates, and inheritance mode, an automated score was calculated to assess if this variant is too frequent to cause the disease. Based on the score and internal cut-off values, a variant classified as benign is not then subjected to further curation. The score for this variant resulted in a classification of benign for this disease.

Athena Diagnostics
Classification: Benign for Finnish congenital nephrotic syndrome. Last evaluated: 2017-04-28. Review status: criteria provided, single submitter. Criteria: Athena Diagnostics Criteria. Collection method: clinical testing. Allele origin: germline.

Women's Health and Genetics/Laboratory Corporation of America, LabCorp
Classification: Benign. Last evaluated: 2016-10-31. Review status: criteria provided, single submitter. Criteria: LabCorp Variant Classification Summary - May 2015. Collection method: clinical testing. Allele origin: germline.
Comment: Variant summary: The NPHS1 c.2289C>T (p.Val763Val) variant involves the alteration of a non-conserved nucleotide, resulting in a synonymous change. 5/5 splice prediction tools predict no significant impact on normal splicing. This variant was found in 10368/121400 control chromosomes (1310 homozygotes), predominantly observed in the African subpopulation at a frequency of 0.4543533 (4728/10406). This frequency is about 135 times the estimated maximal expected allele frequency of a pathogenic NPHS1 variant (0.0033541), suggesting this is a benign common polymorphism found primarily in the populations of African origin. Therefore, this variant is classified as Benign.

Genome Diagnostics Laboratory, University Medical Center Utrecht
Classification: Benign for Finnish congenital nephrotic syndrome. Last evaluated: 2014-10-10. Review status: criteria provided, single submitter. Criteria: ACGS Guidelines, 2013. Collection method: clinical testing. Allele origin: germline. Affected: yes. Study: VKGL Data-share Consensus.

Breakthrough Genomics
Classification: Benign. Review status: criteria provided, single submitter. Criteria: ACMG Guidelines, 2015. Collection method: not provided. Allele origin: germline. Inheritance: Autosomal recessive inheritance. Affected: yes.

PreventionGenetics, part of Exact Sciences
Classification: Benign. Review status: criteria provided, single submitter. Criteria: ACMG Guidelines, 2015. Collection method: clinical testing. Allele origin: germline.

Natera, Inc.
Classification: Benign for Finnish congenital nephrotic syndrome. Last evaluated: 2020-09-16. Review status: no assertion criteria provided. Collection method: clinical testing. Allele origin: germline. Not counted in ClinVar's aggregate classification.

Diagnostic Laboratory, Department of Genetics, University Medical Center Groningen
Classification: Benign for Finnish congenital nephrotic syndrome. Review status: no assertion criteria provided. Collection method: clinical testing. Allele origin: germline. Affected: yes. Study: VKGL Data-share Consensus. Not counted in ClinVar's aggregate classification.

Joint Genome Diagnostic Labs from Nijmegen and Maastricht, Radboudumc and MUMC+
Classification: Benign. Review status: no assertion criteria provided. Collection method: clinical testing. Allele origin: germline. Affected: yes. Study: VKGL Data-share Consensus. Not counted in ClinVar's aggregate classification.